The following is an entry in ClinVar:

ClinVar aggregate classification (germline): Uncertain significance (0 of 4 stars; one submission).

Conditions:
NTRK2-related disorder. Also called: NTRK2-related condition.

gnomAD v4.1: 1 of 1,613,944 alleles (0.000062%); no homozygotes.

Submission:

PreventionGenetics, part of Exact Sciences
Classification: Uncertain significance for NTRK2-related condition. Last evaluated: 2024-01-04. Review status: no assertion criteria provided. Collection method: clinical testing. Allele origin: germline.
Comment: The NTRK2 c.1426G>A variant is predicted to result in the amino acid substitution p.Asp476Asn. To our knowledge, this variant has not been reported in the literature or in a large population database, indicating this variant is rare. At this time, the clinical significance of this variant is uncertain due to the absence of conclusive functional and genetic evidence.

NM_006180.6(NTRK2):c.1397-50469G>A

Gene: NTRK2 (neurotrophic receptor tyrosine kinase 2; plus strand). Cytogenetic location: 9q21.33.
Variant type: single nucleotide variant.
Coding change: c.1397-50469G>A on transcript NM_006180.6 (MANE Select); 50469 bases into the intron before coding-DNA position 1397, G replaced by A.
Molecular consequence: intron variant. On other transcripts: missense variant (15), 3 prime UTR variant (1).
Genome position (GRCh38, 1-based): chr9:84,810,571, G>A. VCF-style: chr9-84810571-G-A. GRCh37 (hg19) VCF-style: chr9-87425486-G-A.
Other names: c.1426G>A, p.Asp476Asn (NM_001007097.3, NM_001369539.1, NM_001369540.1 and 7 more transcripts); c.1387G>A, p.Asp463Asn (NM_001291937.2, NM_001369546.1); c.*63G>A (NM_001369547.1); c.958G>A, p.Asp320Asn (NM_001369550.1, NM_001369551.1, NM_001369552.1); c.1397-56672G>A (NM_001369532.1, NM_001369533.1, NM_001018066.3 and 2 more transcripts); c.1397-50469G>A (NM_001369537.1, NM_001018065.2); c.1361-56672G>A (NM_001369534.1); c.929-50469G>A (NM_001369536.1); and 1 more; short protein forms D320N, D463N, D476N.
Identifiers: ClinVar variation 3037931 (VCV003037931.2), dbSNP rs2133550600, ClinGen allele CA374007234.
Genomic context (GRCh38, chr9:84,810,571, plus strand): 5'-TGACTTATGTTTTATTTTGTGTTTCTTTTAGGTTTTGTTTTGTTTCATAAGATCCCACTG[G>A]ATGGGTAGCTGAAATAAAGGAAAAGACAGAGAAAGGGGCTGTGGTGCTTGTTGGTTGATG-3'